The following is an entry in ClinVar:

NM_000441.2(SLC26A4):c.2067T>G (p.Asn689Lys)

Gene: SLC26A4 (solute carrier family 26 member 4; plus strand). Cytogenetic location: 7q22.3.
Variant type: single nucleotide variant.
Coding change: c.2067T>G on transcript NM_000441.2 (MANE Select); coding-DNA position 2067, T replaced by G.
Protein change: p.Asn689Lys; replaces asparagine 689 with lysine.
Molecular consequence: missense variant.
Genome position (GRCh38, 1-based): chr7:107,704,363, T>G. VCF-style: chr7-107704363-T-G. GRCh37 (hg19) VCF-style: chr7-107344808-T-G.
Other names: short protein forms N689K.
Identifiers: ClinVar variation 1713526 (VCV001713526.3), dbSNP rs774645749, ClinGen allele CA368844410.

ClinVar aggregate classification (germline): Uncertain significance (1 of 4 stars; one submission).

Submission:

Labcorp Genetics (formerly Invitae), Labcorp
Classification: Uncertain significance. Last evaluated: 2022-07-23. Review status: criteria provided, single submitter. Criteria: Invitae Variant Classification Sherloc (09022015). Collection method: clinical testing. Allele origin: germline.
Comment: This sequence change replaces asparagine, which is neutral and polar, with lysine, which is basic and polar, at codon 689 of the SLC26A4 protein (p.Asn689Lys). This variant is not present in population databases (gnomAD no frequency). This variant has not been reported in the literature in individuals affected with SLC26A4-related conditions. Advanced modeling of protein sequence and biophysical properties (such as structural, functional, and spatial information, amino acid conservation, physicochemical variation, residue mobility, and thermodynamic stability) performed at Invitae indicates that this missense variant is not expected to disrupt SLC26A4 protein function. In summary, the available evidence is currently insufficient to determine the role of this variant in disease. Therefore, it has been classified as a Variant of Uncertain Significance.